The following is an entry in ClinVar:

ClinVar aggregate classification (germline): Likely benign (1 of 4 stars; one submission).

Allele frequency attached by ClinVar (database versions not stated): gnomAD exomes 0.00008; ExAC 0.00010; ESP Exome Variant Server 0.00016; gnomAD 0.00031 and 0.00032; TOPMed 0.00036; 1000 Genomes Project 30x 0.00062; 1000 Genomes Project 0.00080.
gnomAD v4.1: 95 of 1,608,294 alleles (0.0059%); highest among the groups gnomAD compares: African/African-American, 0.11%; no homozygotes.

Submission:

Laboratory for Molecular Medicine, Mass General Brigham Personalized Medicine
Classification: Likely benign. Last evaluated: 2013-02-21. Review status: criteria provided, single submitter. Criteria: LMM Criteria. Collection method: clinical testing. Allele origin: germline. Observed: 1 variant allele.
Comment: His1161His in exon 27 of MUC5B: This variant is not expected to have clinical si gnificance because it does not alter an amino acid residue and is not located wi thin the splice consensus sequence. It has been identified in 0.1% (2/3940) of A frican American chromosomes from a broad population by the NHLBI Exome Sequencin g Project.

NM_002458.3(MUC5B):c.3483T>C (p.His1161=)

Gene: MUC5B (mucin 5B, oligomeric mucus/gel-forming; plus strand). Cytogenetic location: 11p15.5.
Variant type: single nucleotide variant.
Coding change: c.3483T>C on transcript NM_002458.3 (MANE Select); coding-DNA position 3483, T replaced by C.
Protein change: p.His1161=; no amino-acid change (histidine 1161 retained).
Molecular consequence: synonymous variant.
Genome position (GRCh38, 1-based): chr11:1,239,466, T>C. VCF-style: chr11-1239466-T-C. GRCh37 (hg19) VCF-style: chr11-1260696-T-C.
Identifiers: ClinVar variation 666716 (VCV000666716.4), dbSNP rs376955587, ClinGen allele CA5805112.
Genomic context (GRCh38, chr11:1,239,466, plus strand): 5'-CGCCTCCTTAGCCTCTGCCCTCTGTGCCCCAGCCTTGTTCTGTGACTTCTACAACCCACA[T>C]GGGGGCTGTGAGTGGCACTACCAGCCCTGCGGGGCACCCTGCCTAAAAACCTGCCGGAAC-3'
Protein context (NP_002449.2, residues 1151-1171): CPLFCDFYNP[His1161=]GGCEWHYQPC